The following is an entry in ClinVar:

NM_001267550.2(TTN):c.95342G>C (p.Arg31781Pro)

Genes: TTN (titin; minus strand), TTN-AS1 (TTN antisense RNA 1; plus strand). Cytogenetic location: 2q31.2.
Variant type: single nucleotide variant.
Coding change: c.95342G>C on transcript NM_001267550.2 (MANE Select); coding-DNA position 95342, G replaced by C.
Protein change: p.Arg31781Pro; replaces arginine 31781 with proline.
Molecular consequence: missense variant.
Genome position (GRCh38, 1-based): chr2:178,545,894, C>G on the plus strand (G>C on the coding strand, the complement: TTN is on the minus strand). VCF-style: chr2-178545894-C-G. GRCh37 (hg19) VCF-style: chr2-179410621-C-G.
Other names: c.90419G>C, p.Arg30140Pro (NM_001256850.1); c.68147G>C, p.Arg22716Pro (NM_003319.4); c.87638G>C, p.Arg29213Pro (NM_133378.4); c.68522G>C, p.Arg22841Pro (NM_133432.3); c.68723G>C, p.Arg22908Pro (NM_133437.4); short protein forms R31781P, R29213P, R30140P, R22716P, R22841P, R22908P.
Identifiers: ClinVar variation 649034 (VCV000649034.7), dbSNP rs748984928, ClinGen allele CA60971481.
Genomic context (GRCh38, chr2:178,545,894, plus strand): 5'-GCTACAATTGGCTCTGATTCAACAGGCACACCAGGGCCATATTTGTTTACTGCCCTCACT[C>G]GGAATATGTACTCATTGTTCTTGATGAGCCTGGTAACGACATAGGATAGGGTTGGGCATT-3'
Protein context (NP_001254479.2, residues 31771-31791): RLIKNNEYIF[Arg31781Pro]VRAVNKYGPG

ClinVar aggregate classification (germline): Uncertain significance (1 of 4 stars; one submission).

Conditions:
Dilated cardiomyopathy 1G (CMD1G). Identifiers: Orphanet 154, MedGen C1858763, MONDO:0011400, OMIM 604145.
Autosomal recessive limb-girdle muscular dystrophy type 2J (LGMDR10). Also called: Limb-girdle muscular dystrophy, type 2J; MUSCULAR DYSTROPHY, LIMB-GIRDLE, AUTOSOMAL RECESSIVE 10. Identifiers: Orphanet 140922, MedGen C1837342, MONDO:0012127, OMIM 608807.

Allele frequency attached by ClinVar (database versions not stated): TOPMed 0.00001.
gnomAD v4.1: 1 of 1,613,738 alleles (0.000062%); highest among the groups gnomAD compares: African/African-American, 0.0013%; no homozygotes.

Submission:

Labcorp Genetics (formerly Invitae), Labcorp
Classification: Uncertain significance for Dilated cardiomyopathy 1G; Autosomal recessive limb-girdle muscular dystrophy type 2J. Last evaluated: 2025-08-09. Review status: criteria provided, single submitter. Criteria: Invitae Variant Classification Sherloc (09022015). Collection method: clinical testing. Allele origin: germline.
Comment: This sequence change replaces arginine, which is basic and polar, with proline, which is neutral and non-polar, at codon 31781 of the TTN protein (p.Arg31781Pro). This variant is not present in population databases (gnomAD no frequency). This variant has not been reported in the literature in individuals affected with TTN-related conditions. ClinVar contains an entry for this variant (Variation ID: 649034). Experimental studies and prediction algorithms are not available or were not evaluated, and the functional significance of this variant is currently unknown. This variant is located in the A band of TTN (PMID: 25589632). Variants in this region may be relevant for cardiac or neuromuscular disorders (PMID: 25589632, 23975875). In summary, the available evidence is currently insufficient to determine the role of this variant in disease. Therefore, it has been classified as a Variant of Uncertain Significance.

Literature cited by the submitters: PubMed 25589632; PubMed 23975875.